The following is an entry in ClinVar:

ClinVar aggregate classification (germline): Pathogenic (1 of 4 stars; one submission).

Conditions:
Ehlers-Danlos syndrome, dermatosparaxis type. Also called: EDS VIIC; Dermatosparaxis; Ehlers-Danlos syndrome, type VII, autosomal recessive. Identifiers: Orphanet 1901, MedGen C2700425, MONDO:0009161, OMIM 225410.

Submission:

Myriad Genetics, Inc.
Classification: Pathogenic for Ehlers-Danlos syndrome, dermatosparaxis type. Last evaluated: 2024-05-14. Review status: criteria provided, single submitter. Criteria: Myriad Autosomal Dominant, Autosomal Recessive and X-Linked Classification Criteria (2023). Collection method: clinical testing. Allele origin: unknown.
Comment: NM_014244.4(ADAMTS2):c.78delGinsATT(L27Ffs*139) is expected to be pathogenic in the context of Ehlers-Danlos syndrome, ADAMTS2-related. This variant is predicted to lead to an abnormal or absent protein product due to the creation of a premature termination codon in ADAMTS2, a gene where loss-of-function variants are known to be pathogenic. Please note: this variant was assessed in the context of healthy population screening.

NM_014244.5(ADAMTS2):c.78delinsATT (p.Leu27fs)

Gene: ADAMTS2 (ADAM metallopeptidase with thrombospondin type 1 motif 2; minus strand). Cytogenetic location: 5q35.3.
Variant type: Indel.
Coding change: c.78delinsATT on transcript NM_014244.5 (MANE Select); coding-DNA position 78, G replaced by ATT.
Protein change: p.Leu27fs; shifts the reading frame from leucine 27.
Molecular consequence: frameshift variant.
Genome position (GRCh38, 1-based): chr5:179,345,251, C replaced by AAT on the plus strand (G replaced by ATT on the coding strand, the reverse complement: ADAMTS2 is on the minus strand). VCF-style: chr5-179345251-C-AAT. GRCh37 (hg19) VCF-style: chr5-178772252-C-AAT.
Other names: c.78delinsATT, p.Leu27fs (NM_021599.4); short protein forms L27fs.
Identifiers: ClinVar variation 5010380 (VCV005010380.1).